The following is an entry in ClinVar:

ClinVar aggregate classification (germline): Uncertain significance (1 of 4 stars; one submission).

Allele frequency attached by ClinVar (database versions not stated): gnomAD exomes below 0.00001.
gnomAD v4.1: 1 of 1,609,330 alleles (0.000062%); highest among the groups gnomAD compares: South Asian, 0.0011%; no homozygotes.

Submission:

GeneDx
Classification: Uncertain significance. Last evaluated: 2022-11-04. Review status: criteria provided, single submitter. Criteria: GeneDx Variant Classification Process June 2021. Collection method: clinical testing. Allele origin: germline. Affected: yes.
Comment: Not observed at significant frequency in large population cohorts (gnomAD); In silico analysis supports that this missense variant has a deleterious effect on protein structure/function; Has not been previously published as pathogenic or benign to our knowledge

NM_017780.4(CHD7):c.2783A>G (p.Lys928Arg)

Gene: CHD7 (chromodomain helicase DNA binding protein 7; plus strand). Cytogenetic location: 8q12.2.
Variant type: single nucleotide variant.
Coding change: c.2783A>G on transcript NM_017780.4 (MANE Select); coding-DNA position 2783, A replaced by G.
Protein change: p.Lys928Arg; replaces lysine 928 with arginine.
Molecular consequence: missense variant. On other transcripts: intron variant (1).
Genome position (GRCh38, 1-based): chr8:60,821,875, A>G. VCF-style: chr8-60821875-A-G. GRCh37 (hg19) VCF-style: chr8-61734434-A-G.
Other names: c.1717-40354A>G (NM_001316690.1); short protein forms K928R.
Identifiers: ClinVar variation 2501619 (VCV002501619.1), dbSNP rs2487805317, ClinGen allele CA371307861.